The following is an entry in ClinVar:

NM_000045.4(ARG1):c.383A>G (p.Asp128Gly)

Genes: ARG1 (arginase 1; plus strand), MED23 (mediator complex subunit 23; minus strand). Cytogenetic location: 6q23.2.
Variant type: single nucleotide variant.
Coding change: c.383A>G on transcript NM_000045.4 (MANE Select); coding-DNA position 383, A replaced by G.
Protein change: p.Asp128Gly; replaces aspartic acid 128 with glycine.
Molecular consequence: missense variant. On other transcripts: non-coding transcript variant (1), intron variant (3).
Genome position (GRCh38, 1-based): chr6:131,581,296, A>G. VCF-style: chr6-131581296-A-G. GRCh37 (hg19) VCF-style: chr6-131902436-A-G.
Other names: c.407A>G, p.Asp136Gly (NM_001244438.2); c.306-1764A>G (NM_001369020.1); c.4077+6413T>C (NM_001270521.2); c.4095+6413T>C (NM_015979.4); short protein forms D128G, D136G.
Identifiers: ClinVar variation 632472 (VCV000632472.19), dbSNP rs140549609, ClinGen allele CA3999246.

ClinVar aggregate classification (germline): Pathogenic/Likely pathogenic. Review status: criteria provided, multiple submitters, no conflicts (2 of 4 stars). 7 submissions from 7 submitters: Pathogenic (5); Likely pathogenic (2). Last evaluated 2025-01-30.

Conditions:
ARG1-related disorder. Also called: ARG1-related condition.
Arginase deficiency. Also called: ARGININEMIA; ARG1 DEFICIENCY; Arginase 1 Deficiency. Identifiers: Orphanet 90, MedGen C0268548, MONDO:0008814, OMIM 207800.

Allele frequency attached by ClinVar (database versions not stated): gnomAD exomes 0.00002 and 0.00003; ExAC 0.00002; ESP Exome Variant Server 0.00008; gnomAD 0.00003; TOPMed 0.00003.
gnomAD v4.1: 32 of 1,613,848 alleles (0.002%); highest among the groups gnomAD compares: Non-Finnish European, 0.00025%; no homozygotes.

Submissions (7):

Labcorp Genetics (formerly Invitae), Labcorp
Classification: Pathogenic for Arginase deficiency. Last evaluated: 2025-01-30. Review status: criteria provided, single submitter. Criteria: Invitae Variant Classification Sherloc (09022015). Collection method: clinical testing. Allele origin: germline.
Comment: This sequence change replaces aspartic acid, which is acidic and polar, with glycine, which is neutral and non-polar, at codon 128 of the ARG1 protein (p.Asp128Gly). This variant is present in population databases (rs140549609, gnomAD 0.06%). This missense change has been observed in individual(s) with ARG1-related conditions (PMID: 7981719, 27038030). ClinVar contains an entry for this variant (Variation ID: 632472). Invitae Evidence Modeling of protein sequence and biophysical properties (such as structural, functional, and spatial information, amino acid conservation, physicochemical variation, residue mobility, and thermodynamic stability) indicates that this missense variant is expected to disrupt ARG1 protein function with a positive predictive value of 80%. Experimental studies have shown that this missense change affects ARG1 function (PMID: 8902193). For these reasons, this variant has been classified as Pathogenic.

Baylor Genetics
Classification: Pathogenic for Arginase deficiency. Last evaluated: 2024-03-20. Review status: criteria provided, single submitter. Criteria: ACMG Guidelines, 2015. Collection method: clinical testing. Allele origin: unknown.

Fulgent Genetics
Classification: Likely pathogenic for Arginase deficiency. Last evaluated: 2024-02-19. Review status: criteria provided, single submitter. Criteria: ACMG Guidelines, 2015. Collection method: clinical testing. Allele origin: germline.

Blueprint Genetics
Classification: Pathogenic for ARG1-related disorders. Last evaluated: 2023-05-11. Review status: criteria provided, single submitter. Criteria: ACMG Guidelines, 2015. Collection method: clinical testing. Allele origin: germline. Affected: yes. Observed: 2 variant alleles.

Revvity Omics, Revvity
Classification: Likely pathogenic for Arginase deficiency. Last evaluated: 2023-02-09. Review status: criteria provided, single submitter. Criteria: ACMG Guidelines, 2015. Collection method: clinical testing. Allele origin: germline.

Women's Health and Genetics/Laboratory Corporation of America, LabCorp
Classification: Pathogenic for Arginase deficiency. Last evaluated: 2023-02-03. Review status: criteria provided, single submitter. Criteria: LabCorp Variant Classification Summary - May 2015. Collection method: clinical testing. Allele origin: germline.
Comment: Variant summary: ARG1 c.383A>G (p.Asp128Gly) results in a non-conservative amino acid change in the encoded protein sequence. Five of five in-silico tools predict a damaging effect of the variant on protein function. The variant allele was found at a frequency of 3.2e-05 in 250742 control chromosomes. c.383A>G has been reported in the literature in multiple individuals affected with Arginase Deficiency including homozygous patients (Vockley_1994, Huemer_2016). These data indicate that the variant is very likely to be associated with disease. The variant was shown to result in significantly decreased enzyme activity both in vitro and in vivo (Vockley_1996). Three clinical diagnostic laboratories have submitted clinical-significance assessments for this variant to ClinVar after 2014 without evidence for independent evaluation. All laboratories classified the variant as pathogenic/likely pathogenic. Based on the evidence outlined above, the variant was classified as pathogenic.

Illumina Laboratory Services, Illumina
Classification: Pathogenic for Arginase deficiency. Last evaluated: 2018-11-08. Review status: criteria provided, single submitter. Criteria: ICSL Variant Classification Criteria 09 May 2019. Collection method: clinical testing. Allele origin: germline.
Comment: The ARG1 c.383A>G (p.Asp128Gly) missense variant has been reported in five individuals from at least four families with arginase deficiency, who all carried the variant in a homozygous state (Vockley et al. 1994; Huemer et al. 2016). Control data are unavailable for this variant, which is reported at a frequency of 0.000611 in the Ashkenazi Jewish population of the Genome Aggregation Database. The Asp128 residue is highly conserved (Vockley et al. 1994). In vitro and in vivo analysis found the p.Asp128Gly variant had significantly reduced activity compared to controls in proband red blood cells and zero activity compared to controls when expressed in E. coli cells (Vockley et al. 1994; Vockley et al. 1996). Based on the evidence, the p.Asp128Gly variant is classified as pathogenic for arginase deficiency. This variant was observed by ICSL as part of a predisposition screen in an ostensibly healthy population.

Literature cited by the submitters: PubMed 7981719 (cited by 3 submitters); PubMed 27038030 (cited by 3 submitters); PubMed 8902193 (cited by 3 submitters).